The following is an entry in ClinVar:

NM_152906.7(TANGO2):c.536A>G (p.Glu179Gly)

Gene: TANGO2 (transport and golgi organization 2 homolog; plus strand). Cytogenetic location: 22q11.21.
Variant type: single nucleotide variant.
Coding change: c.536A>G on transcript NM_152906.7 (MANE Select); coding-DNA position 536, A replaced by G.
Protein change: p.Glu179Gly; replaces glutamic acid 179 with glycine.
Molecular consequence: missense variant. On other transcripts: non-coding transcript variant (3), intron variant (4).
Genome position (GRCh38, 1-based): chr22:20,061,614, A>G. VCF-style: chr22-20061614-A-G. GRCh37 (hg19) VCF-style: chr22-20049137-A-G.
Other names: c.536A>G, p.Glu179Gly (NM_001283106.3, NM_001283116.3, NM_001283148.3 and 2 more transcripts); c.659A>G, p.Glu220Gly (NM_001283129.3, NM_001322141.2, NM_001322143.2 and 1 more transcripts); c.350A>G, p.Glu117Gly (NM_001283179.3, NM_001283186.3, NM_001322163.2 and 3 more transcripts); c.242A>G, p.Glu81Gly (NM_001283235.3, NM_001322150.2, NM_001322153.2 and 6 more transcripts); c.473A>G, p.Glu158Gly (NM_001322145.2, NM_001322147.2); c.434A>G, p.Glu145Gly (NM_001322146.2, NM_001322148.2, NM_001322160.2); c.381-1724A>G (NM_001283199.3); c.575-2928A>G (NM_001283215.3); and 2 more; short protein forms E145G, E117G, E158G, E179G, E220G, E81G.
Identifiers: ClinVar variation 1396318 (VCV001396318.6), dbSNP rs772109673, ClinGen allele CA10106475.

ClinVar aggregate classification (germline): Uncertain significance (1 of 4 stars; one submission).

Allele frequency attached by ClinVar (database versions not stated): TOPMed below 0.00001; gnomAD 0.00001; gnomAD exomes 0.00003; ExAC 0.00007.

Submission:

Labcorp Genetics (formerly Invitae), Labcorp
Classification: Uncertain significance. Last evaluated: 2023-04-24. Review status: criteria provided, single submitter. Criteria: Invitae Variant Classification Sherloc (09022015). Collection method: clinical testing. Allele origin: germline.
Comment: In summary, the available evidence is currently insufficient to determine the role of this variant in disease. Therefore, it has been classified as a Variant of Uncertain Significance. Algorithms developed to predict the effect of missense changes on protein structure and function output the following: SIFT: "Not Available"; PolyPhen-2: "Benign"; Align-GVGD: "Not Available". The glycine amino acid residue is found in multiple mammalian species, which suggests that this missense change does not adversely affect protein function. ClinVar contains an entry for this variant (Variation ID: 1396318). This variant has not been reported in the literature in individuals affected with TANGO2-related conditions. This variant is present in population databases (rs772109673, gnomAD 0.02%). This sequence change replaces glutamic acid, which is acidic and polar, with glycine, which is neutral and non-polar, at codon 179 of the TANGO2 protein (p.Glu179Gly).